The following is an entry in ClinVar:

NM_001395413.1(POR):c.1562_1610dup (p.Ala538fs)

Gene: POR (cytochrome p450 oxidoreductase; plus strand). Cytogenetic location: 7q11.23.
Variant type: Duplication.
Coding change: c.1562_1610dup on transcript NM_001395413.1 (MANE Select); coding-DNA positions 1562 to 1610, 49 bases duplicated.
Protein change: p.Ala538fs; shifts the reading frame from alanine 538.
Molecular consequence: frameshift variant.
Genome position (GRCh38, 1-based): chr7:75,985,751-75,985,799, 49 bases duplicated. GRCh37 (hg19): chr7:75,615,069-75,615,117.
Other names: c.1571_1619dup (NM_000941.3); c.1562_1610dup, p.Ala538fs (NM_001367562.3, NM_001382657.2, NM_001382658.3 and 1 more transcripts); c.1616_1664dup, p.Ala556fs (NM_001382655.3); c.1412_1460dup, p.Ala488fs (NM_001382662.3); short protein forms A488fs, A538fs, A556fs.
Identifiers: ClinVar variation 580516 (VCV000580516.8), dbSNP rs1563435458, ClinGen allele CA891842696.

ClinVar aggregate classification (germline): Pathogenic. Review status: criteria provided, multiple submitters, no conflicts (2 of 4 stars). 2 submissions from 2 submitters: Pathogenic (2). Last evaluated 2026-01-15.

Conditions:
Antley-Bixler syndrome with genital anomalies and disordered steroidogenesis (ABS1). Also called: POR Deficiency. Identifiers: Orphanet 63269, MedGen C3150099, MONDO:0008726, OMIM 201750.
Congenital adrenal hyperplasia due to cytochrome P450 oxidoreductase deficiency. Also called: DISORDERED STEROIDOGENESIS DUE TO POR DEFICIENCY. Identifiers: Orphanet 95699, MedGen C1860042, MONDO:0013310, OMIM 613571.

Allele frequency attached by ClinVar (database versions not stated): gnomAD exomes 0.00001.

Submissions (2):

Labcorp Genetics (formerly Invitae), Labcorp
Classification: Pathogenic for Congenital adrenal hyperplasia due to cytochrome P450 oxidoreductase deficiency. Last evaluated: 2026-01-15. Review status: criteria provided, single submitter. Criteria: Invitae Variant Classification Sherloc (09022015). Collection method: clinical testing. Allele origin: germline.
Comment: This sequence change creates a premature translational stop signal (p.Ala541Leufs*50) in the POR gene. It is expected to result in an absent or disrupted protein product. Loss-of-function variants in POR are known to be pathogenic (PMID: 14758361, 20732302, 21741353). This variant is not present in population databases (gnomAD no frequency). This variant has not been reported in the literature in individuals affected with POR-related conditions. ClinVar contains an entry for this variant (Variation ID: 580516). For these reasons, this variant has been classified as Pathogenic.

3billion
Classification: Pathogenic for Antley-Bixler syndrome with genital anomalies and disordered steroidogenesis. Last evaluated: 2025-05-27. Review status: criteria provided, single submitter. Criteria: ACMG Guidelines, 2015. Collection method: clinical testing. Allele origin: germline. Affected: yes.
Comment: The variant is observed at an extremely low frequency in the gnomAD v4.1.0 dataset (total allele frequency: <0.001%). Predicted Consequence/Location: Frameshift: predicted to result in a loss or disruption of normal protein function through nonsense-mediated decay (NMD) or protein truncation. Multiple pathogenic variants are reported downstream of the variant. The variant has been reported to be associated with POR-related disorder (ClinVar ID: VCV000580516). Therefore, this variant is classified as Pathogenic according to the recommendation of ACMG/AMP guideline.

Literature cited by the submitters: PubMed 14758361 (cited by Labcorp Genetics (formerly Invitae), Labcorp); PubMed 20732302 (cited by Labcorp Genetics (formerly Invitae), Labcorp); PubMed 21741353 (cited by Labcorp Genetics (formerly Invitae), Labcorp).